The following is an entry in ClinVar:

NM_004370.6(COL12A1):c.5687A>C (p.Asn1896Thr)

Gene: COL12A1 (collagen type XII alpha 1 chain; minus strand). Cytogenetic location: 6q13.
Variant type: single nucleotide variant.
Coding change: c.5687A>C on transcript NM_004370.6 (MANE Select); coding-DNA position 5687, A replaced by C.
Protein change: p.Asn1896Thr; replaces asparagine 1896 with threonine.
Molecular consequence: missense variant.
Genome position (GRCh38, 1-based): chr6:75,133,400, T>G on the plus strand (A>C on the coding strand, the complement: COL12A1 is on the minus strand). VCF-style: chr6-75133400-T-G. GRCh37 (hg19) VCF-style: chr6-75843116-T-G.
Other names: c.5687A>C, p.Asn1896Thr (NM_001424113.1); c.5666A>C, p.Asn1889Thr (NM_001424114.1); c.5414A>C, p.Asn1805Thr (NM_001424115.1); c.2195A>C, p.Asn732Thr (NM_001424116.1, NM_080645.3); short protein forms N1805T, N1889T, N1896T, N732T.
Identifiers: ClinVar variation 3756721 (VCV003756721.2).

ClinVar aggregate classification (germline): Uncertain significance (1 of 4 stars; one submission).

Conditions:
Ullrich congenital muscular dystrophy 2 (UCMD2). Identifiers: Orphanet 75840, MedGen C4225314, MONDO:0014654, OMIM 616470.
Bethlem myopathy 2 (BTHLM2). Identifiers: Orphanet 536516, Orphanet 610, MedGen C4225313, MONDO:0034022, OMIM 616471.

gnomAD v4.1: 1 of 1,611,558 alleles (0.000062%); highest among the groups gnomAD compares: Admixed American, 0.0017%; no homozygotes.

Submission:

Labcorp Genetics (formerly Invitae), Labcorp
Classification: Uncertain significance for Bethlem myopathy 2; Ullrich congenital muscular dystrophy 2. Last evaluated: 2024-06-06. Review status: criteria provided, single submitter. Criteria: Invitae Variant Classification Sherloc (09022015). Collection method: clinical testing. Allele origin: germline.
Comment: This sequence change replaces asparagine, which is neutral and polar, with threonine, which is neutral and polar, at codon 1896 of the COL12A1 protein (p.Asn1896Thr). This variant is present in population databases (rs747872720, gnomAD 0.003%). This variant has not been reported in the literature in individuals affected with COL12A1-related conditions. Advanced modeling of protein sequence and biophysical properties (such as structural, functional, and spatial information, amino acid conservation, physicochemical variation, residue mobility, and thermodynamic stability) performed at Invitae indicates that this missense variant is not expected to disrupt COL12A1 protein function with a negative predictive value of 80%. In summary, the available evidence is currently insufficient to determine the role of this variant in disease. Therefore, it has been classified as a Variant of Uncertain Significance.